The following is an entry in ClinVar:

ClinVar aggregate classification (germline): Uncertain significance. Review status: criteria provided, multiple submitters, no conflicts (2 of 4 stars). 2 submissions from 2 submitters: Uncertain significance (2). Last evaluated 2023-03-02.

Conditions:
Inborn genetic diseases. Identifiers: MedGen C0950123, MeSH D030342.

Allele frequency attached by ClinVar (database versions not stated): TOPMed 0.00001; gnomAD 0.00004.
gnomAD v4.1: 6 of 1,613,878 alleles (0.00037%); highest among the groups gnomAD compares: African/African-American, 0.008%; no homozygotes.

Submissions (2):

Ambry Genetics
Classification: Uncertain significance for Inborn genetic diseases. Last evaluated: 2023-03-02. Review status: criteria provided, single submitter. Criteria: Ambry Variant Classification Scheme 2023. Collection method: clinical testing. Allele origin: germline.

Labcorp Genetics (formerly Invitae), Labcorp
Classification: Uncertain significance. Last evaluated: 2022-02-20. Review status: criteria provided, single submitter. Criteria: Invitae Variant Classification Sherloc (09022015). Collection method: clinical testing. Allele origin: germline.
Comment: In summary, the available evidence is currently insufficient to determine the role of this variant in disease. Therefore, it has been classified as a Variant of Uncertain Significance. Algorithms developed to predict the effect of missense changes on protein structure and function (SIFT, PolyPhen-2, Align-GVGD) all suggest that this variant is likely to be tolerated. This variant has not been reported in the literature in individuals affected with MAPKBP1-related conditions. This variant is present in population databases (no rsID available, gnomAD 0.05%). This sequence change replaces alanine, which is neutral and non-polar, with proline, which is neutral and non-polar, at codon 1132 of the MAPKBP1 protein (p.Ala1132Pro).

NM_014994.3(MAPKBP1):c.3376G>C (p.Ala1126Pro)

Gene: MAPKBP1 (mitogen-activated protein kinase binding protein 1; plus strand). Cytogenetic location: 15q15.1.
Variant type: single nucleotide variant.
Coding change: c.3376G>C on transcript NM_014994.3 (MANE Select); coding-DNA position 3376, G replaced by C.
Protein change: p.Ala1126Pro; replaces alanine 1126 with proline.
Molecular consequence: missense variant. On other transcripts: non-coding transcript variant (2).
Genome position (GRCh38, 1-based): chr15:41,823,000, G>C. VCF-style: chr15-41823000-G-C. GRCh37 (hg19) VCF-style: chr15-42115198-G-C.
Other names: c.3394G>C, p.Ala1132Pro (NM_001128608.2); c.3376G>C, p.Ala1126Pro (NM_001265611.2); c.3394G>C (NM_001128608.1); short protein forms A1132P, A1126P.
Identifiers: ClinVar variation 2100701 (VCV002100701.4), dbSNP rs1267358411, ClinGen allele CA391876236.